The following is an entry in ClinVar:

NM_001290060.2(SEMA3B):c.1679G>C (p.Gly560Ala)

Gene: SEMA3B (semaphorin 3B; plus strand). Cytogenetic location: 3p21.31.
Variant type: single nucleotide variant.
Coding change: c.1679G>C on transcript NM_001290060.2 (MANE Select); coding-DNA position 1679, G replaced by C.
Protein change: p.Gly560Ala; replaces glycine 560 with alanine.
Molecular consequence: missense variant. On other transcripts: non-coding transcript variant (1).
Genome position (GRCh38, 1-based): chr3:50,275,589, G>C. VCF-style: chr3-50275589-G-C. GRCh37 (hg19) VCF-style: chr3-50313020-G-C.
Other names: c.1676G>C, p.Gly559Ala (NM_001005914.3, NM_001435957.1, NM_001435958.1); c.1694G>C, p.Gly565Ala (NM_001290061.1); c.650G>C, p.Gly217Ala (NM_001290062.2, NM_001290063.2); c.1679G>C, p.Gly560Ala (NM_001435956.1, NM_004636.4); short protein forms G560A, G217A, G559A, G565A.
Identifiers: ClinVar variation 4995547 (VCV004995547.1).

ClinVar aggregate classification (germline): Uncertain significance (1 of 4 stars; one submission).

Conditions:
SEMA3B-related disorder. Also called: SEMA3B-related condition.

gnomAD v4.1: 1 of 1,613,730 alleles (0.000062%); highest among the groups gnomAD compares: Non-Finnish European, 0.000085%; no homozygotes.

Submission:

PreventionGenetics, part of Exact Sciences
Classification: Uncertain significance for SEMA3B-related condition. Last evaluated: 2026-06-05. Review status: criteria provided, single submitter. Criteria: ACMG Guidelines, 2015. Collection method: clinical testing. Allele origin: germline.
Comment: The SEMA3B c.1694G>C variant is predicted to result in the amino acid substitution p.Gly565Ala. To our knowledge, this variant has not been reported in the literature or in a large population database (gnomAD), indicating this variant is rare. At this time, the clinical significance of this variant is uncertain due to the absence of conclusive functional and genetic evidence.